The following is an entry in ClinVar:

NM_001080453.3(INTS1):c.2400G>A (p.Gln800=)

Gene: INTS1 (integrator complex subunit 1; minus strand). Cytogenetic location: 7p22.3.
Variant type: single nucleotide variant.
Coding change: c.2400G>A on transcript NM_001080453.3 (MANE Select); coding-DNA position 2400, G replaced by A.
Protein change: p.Gln800=; no amino-acid change (glutamine 800 retained).
Molecular consequence: synonymous variant.
Genome position (GRCh38, 1-based): chr7:1,487,876, C>T on the plus strand (G>A on the coding strand, the complement: INTS1 is on the minus strand). VCF-style: chr7-1487876-C-T. GRCh37 (hg19) VCF-style: chr7-1527512-C-T.
Identifiers: ClinVar variation 2657205 (VCV002657205.24), dbSNP rs202228703, ClinGen allele CA4119825.

ClinVar aggregate classification (germline): Likely benign (1 of 4 stars; one submission).

Allele frequency attached by ClinVar (database versions not stated): 1000 Genomes Project 0.00040; gnomAD 0.00040; TOPMed 0.00040; gnomAD exomes 0.00044; 1000 Genomes Project 30x 0.00047; ESP Exome Variant Server 0.00055; ExAC 0.00056.
gnomAD v4.1: 712 of 1,613,626 alleles (0.044%); highest among the groups gnomAD compares: Middle Eastern, 0.13%; no homozygotes.

Submission:

CeGaT Center for Human Genetics Tuebingen
Classification: Likely benign. Last evaluated: 2026-04-01. Review status: criteria provided, single submitter. Criteria: CeGaT Center For Human Genetics Tuebingen Variant Classification Criteria Version 2. Collection method: clinical testing. Allele origin: germline. Affected: yes. Observed: 3 variant alleles.
Comment: INTS1: BP4, BP7, BS2